The following is an entry in ClinVar:

NM_000535.7(PMS2):c.1496C>G (p.Thr499Ser)

Gene: PMS2 (PMS1 homolog 2, mismatch repair system component; minus strand). Cytogenetic location: 7p22.1.
Variant type: single nucleotide variant.
Coding change: c.1496C>G on transcript NM_000535.7 (MANE Select); coding-DNA position 1496, C replaced by G.
Protein change: p.Thr499Ser; replaces threonine 499 with serine.
Molecular consequence: missense variant. On other transcripts: non-coding transcript variant (1).
Genome position (GRCh38, 1-based): chr7:5,987,269, G>C on the plus strand (C>G on the coding strand, the complement: PMS2 is on the minus strand). VCF-style: chr7-5987269-G-C. GRCh37 (hg19) VCF-style: chr7-6026900-G-C.
Other names: c.1187C>G, p.Thr396Ser (NM_001406877.1, NM_001406878.1, NM_001406879.1 and 5 more transcripts); c.1178C>G, p.Thr393Ser (NM_001406883.1, NM_001406903.1, NM_001322007.2 and 2 more transcripts); c.1172C>G, p.Thr391Ser (NM_001406884.1); c.1160C>G, p.Thr387Ser (NM_001406885.1); c.1130C>G, p.Thr377Ser (NM_001406886.1); c.1091C>G, p.Thr364Ser (NM_001406896.1, NM_001406897.1, NM_001406898.1 and 17 more transcripts); c.1031C>G, p.Thr344Ser (NM_001406900.1); c.1022C>G, p.Thr341Ser (NM_001406901.1, NM_001406902.1); and 12 more; short protein forms T344S, T377S, T447S, T463S, T499S, T188S, T308S, T396S.
Identifiers: ClinVar variation 2095681 (VCV002095681.4), dbSNP rs746064480, ClinGen allele CA043994.

ClinVar aggregate classification (germline): Uncertain significance (1 of 4 stars; one submission).

Conditions:
Hereditary nonpolyposis colorectal neoplasms. Identifiers: MedGen C0009405, MeSH D003123.

Allele frequency attached by ClinVar (database versions not stated): ExAC 0.00001.

Submission:

Labcorp Genetics (formerly Invitae), Labcorp
Classification: Uncertain significance for Hereditary nonpolyposis colorectal neoplasms. Last evaluated: 2023-05-26. Review status: criteria provided, single submitter. Criteria: Invitae Variant Classification Sherloc (09022015). Collection method: clinical testing. Allele origin: germline.
Comment: In summary, the available evidence is currently insufficient to determine the role of this variant in disease. Therefore, it has been classified as a Variant of Uncertain Significance. Advanced modeling of protein sequence and biophysical properties (such as structural, functional, and spatial information, amino acid conservation, physicochemical variation, residue mobility, and thermodynamic stability) performed at Invitae indicates that this missense variant is not expected to disrupt PMS2 protein function. ClinVar contains an entry for this variant (Variation ID: 2095681). This variant has not been reported in the literature in individuals affected with PMS2-related conditions. This variant is present in population databases (rs746064480, gnomAD 0.003%). This sequence change replaces threonine, which is neutral and polar, with serine, which is neutral and polar, at codon 499 of the PMS2 protein (p.Thr499Ser).